The following is an entry in ClinVar:

NM_006790.3(MYOT):c.16C>T (p.Arg6Cys)

Genes: PKD2L2-DT (PKD2L2 divergent transcript; minus strand), MYOT (myotilin; plus strand). Cytogenetic location: 5q31.2.
Variant type: single nucleotide variant.
Coding change: c.16C>T on transcript NM_006790.3 (MANE Select); coding-DNA position 16, C replaced by T.
Protein change: p.Arg6Cys; replaces arginine 6 with cysteine.
Molecular consequence: missense variant. On other transcripts: intron variant (2).
Genome position (GRCh38, 1-based): chr5:137,870,667, C>T. VCF-style: chr5-137870667-C-T. GRCh37 (hg19) VCF-style: chr5-137206356-C-T.
Other names: c.-121+142C>T (NM_001300911.2); c.-197+142C>T (NM_001135940.2); short protein forms R6C.
Identifiers: ClinVar variation 2059499 (VCV002059499.5), dbSNP rs1264310581, ClinGen allele CA361477770.

ClinVar aggregate classification (germline): Conflicting classifications of pathogenicity. Review status: criteria provided, conflicting classifications (1 of 4 stars). 2 submissions from 2 submitters: Likely pathogenic (1); Uncertain significance (1). Last evaluated 2026-03-26.

Conditions:
Myofibrillar myopathy 3 (MFM3). Also called: Muscular dystrophy, proximal, type 1A; Autosomal dominant spheroid body myopathy. Identifiers: Orphanet 266, Orphanet 268129, MedGen C3714934, MONDO:0012215, OMIM 609200.

Allele frequency attached by ClinVar (database versions not stated): gnomAD 0.00001.
gnomAD v4.1: 20 of 1,613,894 alleles (0.0012%); highest among the groups gnomAD compares: Admixed American, 0.0017%; no homozygotes.

Submissions (2):

GeneDx
Classification: Likely pathogenic. Last evaluated: 2026-03-26. Review status: criteria provided, single submitter. Criteria: GeneDx Variant Classification Process June 2021. Collection method: clinical testing. Allele origin: germline.
Comment: Not observed at significant frequency in large population cohorts (gnomAD); Missense variants in this gene are a common cause of disease and they are underrepresented in the general population; In silico analysis supports that this missense variant has a deleterious effect on protein structure/function; Has not been previously published as pathogenic or benign to our knowledge

Labcorp Genetics (formerly Invitae), Labcorp
Classification: Uncertain significance for Myofibrillar myopathy 3. Last evaluated: 2023-10-13. Review status: criteria provided, single submitter. Criteria: Invitae Variant Classification Sherloc (09022015). Collection method: clinical testing. Allele origin: germline.
Comment: This sequence change replaces arginine, which is basic and polar, with cysteine, which is neutral and slightly polar, at codon 6 of the MYOT protein (p.Arg6Cys). This variant is not present in population databases (gnomAD no frequency). This variant has not been reported in the literature in individuals affected with MYOT-related conditions. ClinVar contains an entry for this variant (Variation ID: 2059499). An algorithm developed to predict the effect of missense changes on protein structure and function (PolyPhen-2) suggests that this variant is likely to be disruptive. In summary, the available evidence is currently insufficient to determine the role of this variant in disease. Therefore, it has been classified as a Variant of Uncertain Significance.